The following is an entry in ClinVar:

NM_024529.5(CDC73):c.1381T>G (p.Leu461Val)

Gene: CDC73 (cell division cycle 73; plus strand). Cytogenetic location: 1q31.2.
Variant type: single nucleotide variant.
Coding change: c.1381T>G on transcript NM_024529.5 (MANE Select); coding-DNA position 1381, T replaced by G.
Protein change: p.Leu461Val; replaces leucine 461 with valine.
Molecular consequence: missense variant.
Genome position (GRCh38, 1-based): chr1:193,236,320, T>G. VCF-style: chr1-193236320-T-G. GRCh37 (hg19) VCF-style: chr1-193205450-T-G.
Other names: short protein forms L461V.
Identifiers: ClinVar variation 1720992 (VCV001720992.6), dbSNP rs2527500817, ClinGen allele CA344078236.

ClinVar aggregate classification (germline): Uncertain significance (1 of 4 stars; one submission).

Conditions:
Parathyroid carcinoma (PRTC). Also called: Parathyroid gland carcinoma; CDC73-Related Parathyroid Carcinoma. Identifiers: Orphanet 143, MedGen C0687150, MONDO:0012004, OMIM 608266, HP:0006780.

Submission:

Labcorp Genetics (formerly Invitae), Labcorp
Classification: Uncertain significance for Parathyroid carcinoma. Last evaluated: 2022-10-04. Review status: criteria provided, single submitter. Criteria: Invitae Variant Classification Sherloc (09022015). Collection method: clinical testing. Allele origin: germline.
Comment: This variant has not been reported in the literature in individuals affected with CDC73-related conditions. This variant is not present in population databases (gnomAD no frequency). This sequence change replaces leucine, which is neutral and non-polar, with valine, which is neutral and non-polar, at codon 461 of the CDC73 protein (p.Leu461Val). Algorithms developed to predict the effect of missense changes on protein structure and function are either unavailable or do not agree on the potential impact of this missense change (SIFT: "Deleterious"; PolyPhen-2: "Possibly Damaging"; Align-GVGD: "Class C0"). In summary, the available evidence is currently insufficient to determine the role of this variant in disease. Therefore, it has been classified as a Variant of Uncertain Significance.